The following is an entry in ClinVar:

NM_000293.3(PHKB):c.1810T>G (p.Phe604Val)

Gene: PHKB (phosphorylase kinase regulatory subunit beta; plus strand). Cytogenetic location: 16q12.1.
Variant type: single nucleotide variant.
Coding change: c.1810T>G on transcript NM_000293.3 (MANE Select); coding-DNA position 1810, T replaced by G.
Protein change: p.Phe604Val; replaces phenylalanine 604 with valine.
Molecular consequence: missense variant.
Genome position (GRCh38, 1-based): chr16:47,650,556, T>G. VCF-style: chr16-47650556-T-G. GRCh37 (hg19) VCF-style: chr16-47684467-T-G.
Other names: c.1789T>G, p.Phe597Val (NM_001031835.3); c.1810T>G, p.Phe604Val (NM_001363837.1); short protein forms F597V, F604V.
Identifiers: ClinVar variation 1998229 (VCV001998229.4), dbSNP rs2506573522, ClinGen allele CA395786489.

ClinVar aggregate classification (germline): Uncertain significance (1 of 4 stars; one submission).

Conditions:
Glycogen storage disease IXb (GSD9B). Also called: PHOSPHORYLASE KINASE DEFICIENCY OF LIVER AND MUSCLE, AUTOSOMAL RECESSIVE; GLYCOGENOSIS OF LIVER AND MUSCLE, AUTOSOMAL RECESSIVE; GSD IXb. Identifiers: Orphanet 79240, MedGen C0543514, MONDO:0009868, OMIM 261750.

Submission:

Labcorp Genetics (formerly Invitae), Labcorp
Classification: Uncertain significance for Glycogen storage disease IXb. Last evaluated: 2022-05-24. Review status: criteria provided, single submitter. Criteria: Invitae Variant Classification Sherloc (09022015). Collection method: clinical testing. Allele origin: germline.
Comment: Algorithms developed to predict the effect of missense changes on protein structure and function are either unavailable or do not agree on the potential impact of this missense change (SIFT: "Deleterious"; PolyPhen-2: "Probably Damaging"; Align-GVGD: "Class C0"). In summary, the available evidence is currently insufficient to determine the role of this variant in disease. Therefore, it has been classified as a Variant of Uncertain Significance. This variant has not been reported in the literature in individuals affected with PHKB-related conditions. This sequence change replaces phenylalanine, which is neutral and non-polar, with valine, which is neutral and non-polar, at codon 604 of the PHKB protein (p.Phe604Val). This variant is not present in population databases (gnomAD no frequency).